The following is an entry in ClinVar:

ClinVar aggregate classification (germline): Uncertain significance. Review status: criteria provided, multiple submitters, no conflicts (2 of 4 stars). 2 submissions from 2 submitters: Uncertain significance (2). Last evaluated 2026-01-22.

Conditions:
Inborn genetic diseases. Identifiers: MedGen C0950123, MeSH D030342.

Submissions (2):

GeneDx
Classification: Uncertain significance. Last evaluated: 2026-01-22. Review status: criteria provided, single submitter. Criteria: GeneDx Variant Classification Process June 2021. Collection method: clinical testing. Allele origin: germline.
Comment: In silico analysis suggests that this missense variant does not alter protein structure/function; Has not been previously published as pathogenic or benign to our knowledge

Ambry Genetics
Classification: Uncertain significance for Inborn genetic diseases. Last evaluated: 2025-08-09. Review status: criteria provided, single submitter. Criteria: Ambry Variant Classification Scheme 2023. Collection method: clinical testing. Allele origin: germline.

NM_024867.4(SPEF2):c.346G>A (p.Glu116Lys)

Gene: SPEF2 (sperm flagellar and cilia associated 2; plus strand). Cytogenetic location: 5p13.2.
Variant type: single nucleotide variant.
Coding change: c.346G>A on transcript NM_024867.4 (MANE Select); coding-DNA position 346, G replaced by A.
Protein change: p.Glu116Lys; replaces glutamic acid 116 with lysine.
Molecular consequence: missense variant.
Genome position (GRCh38, 1-based): chr5:35,641,615, G>A. VCF-style: chr5-35641615-G-A. GRCh37 (hg19) VCF-style: chr5-35641717-G-A.
Other names: c.346G>A, p.Glu116Lys (NM_144722.4); short protein forms E116K.
Identifiers: ClinVar variation 4173350 (VCV004173350.2).